The following is an entry in ClinVar:

ClinVar aggregate classification (germline): Uncertain significance. Review status: criteria provided, multiple submitters, no conflicts (2 of 4 stars). 2 submissions from 2 submitters: Uncertain significance (2). Last evaluated 2025-06-12.

Conditions:
Cardiovascular phenotype. Identifiers: MedGen CN230736.
Hereditary cancer-predisposing syndrome. Also called: Hereditary neoplastic syndrome; Neoplastic Syndromes, Hereditary; Tumor predisposition; Hereditary Cancer Syndrome. Identifiers: Orphanet 140162, MedGen C0027672, MeSH D009386, MONDO:0015356.

Submissions (2):

Labcorp Genetics (formerly Invitae), Labcorp
Classification: Uncertain significance. Last evaluated: 2025-06-12. Review status: criteria provided, single submitter. Criteria: Invitae Variant Classification Sherloc (09022015). Collection method: clinical testing. Allele origin: germline.
Comment: This variant, c.2185_2187del, results in the deletion of 1 amino acid(s) of the LZTR1 protein (p.Tyr729del), but otherwise preserves the integrity of the reading frame. This variant is present in population databases (no rsID available, gnomAD 0.0009%). This variant has not been reported in the literature in individuals affected with LZTR1-related conditions. Experimental studies and prediction algorithms are not available or were not evaluated, and the functional significance of this variant is currently unknown. In summary, the available evidence is currently insufficient to determine the role of this variant in disease. Therefore, it has been classified as a Variant of Uncertain Significance.

Ambry Genetics
Classification: Uncertain significance for Cardiovascular phenotype; Hereditary cancer-predisposing syndrome. Last evaluated: 2025-06-11. Review status: criteria provided, single submitter. Criteria: Ambry Variant Classification Scheme 2023. Collection method: clinical testing. Allele origin: germline.
Comment: The c.2185_2187delTAC variant (also known as p.Y729del) is located in coding exon 18 of the LZTR1 gene. This variant results from an in-frame TAC deletion at nucleotide positions 2185 to 2187. This results in the in-frame deletion of a tyrosine residue at codon 729. This amino acid position is highly conserved in available vertebrate species. In addition, this variant is predicted to be deleterious by in silico analysis (Choi Y et al. PLoS ONE. 2012; 7(10):e46688). Based on the available evidence, the clinical significance of this alteration remains unclear.

NM_006767.4(LZTR1):c.2182TAC[1] (p.Tyr729del)

Gene: LZTR1 (leucine zipper like post translational regulator 1; plus strand). Cytogenetic location: 22q11.21.
Variant type: Microsatellite.
Coding change: c.2182TAC[1] on transcript NM_006767.4 (MANE Select); one copy of the 3-base unit TAC starting at c.2182; the reference has two copies in a row; one copy, 3 bases deleted.
Protein change: p.Tyr729del; deletes tyrosine 729.
Molecular consequence: inframe deletion.
Genome position (GRCh38, 1-based): chr22:20,996,078-20,996,080, TAC deleted; deleting any 3 consecutive bases within chr22:20,996,074-20,996,080 gives the same sequence; the position shown is the placement nearest the transcript's 3' end. VCF-style (leftmost placement, unchanged base first): chr22-20996073-TCTA-T. GRCh37 (hg19) VCF-style: chr22-21350362-TCTA-T.
Other names: short protein forms Y729del.
Identifiers: ClinVar variation 1511703 (VCV001511703.10), dbSNP rs1184475419, ClinGen allele CA638942529.